The following is an entry in ClinVar:

NM_001242896.3(DEPDC5):c.1404G>T (p.Arg468Ser)

Gene: DEPDC5 (DEP domain containing 5, GATOR1 subcomplex subunit; plus strand). Cytogenetic location: 22q12.3.
Variant type: single nucleotide variant.
Coding change: c.1404G>T on transcript NM_001242896.3 (MANE Select); coding-DNA position 1404, G replaced by T.
Protein change: p.Arg468Ser; replaces arginine 468 with serine.
Molecular consequence: missense variant. On other transcripts: non-coding transcript variant (5).
Genome position (GRCh38, 1-based): chr22:31,810,600, G>T. VCF-style: chr22-31810600-G-T. GRCh37 (hg19) VCF-style: chr22-32206586-G-T.
Other names: c.1404G>T, p.Arg468Ser (NM_001007188.4, NM_001136029.4, NM_001242897.2 and 7 more transcripts); c.1320G>T, p.Arg440Ser (NM_001369901.1, NM_001369902.1); c.1404G>T (NM_001242896.1); short protein forms R440S, R468S.
Identifiers: ClinVar variation 1016498 (VCV001016498.11), dbSNP rs544863765, ClinGen allele CA10196359.

ClinVar aggregate classification (germline): Uncertain significance. Review status: criteria provided, multiple submitters, no conflicts (2 of 4 stars). 3 submissions from 3 submitters: Uncertain significance (3). Last evaluated 2026-10-01.

Conditions:
Familial focal epilepsy with variable foci (FPEVF). Identifiers: Orphanet 98820, MedGen C1858477, MONDO:0020310.
Inborn genetic diseases. Identifiers: MedGen C0950123, MeSH D030342.

Allele frequency attached by ClinVar (database versions not stated): gnomAD 0.00001; gnomAD exomes 0.00001 and 0.00002; ExAC 0.00003; 1000 Genomes Project 30x 0.00016; 1000 Genomes Project 0.00020.
gnomAD v4.1: 19 of 1,614,132 alleles (0.0012%); highest among the groups gnomAD compares: South Asian, 0.02%; no homozygotes.

Submissions (3):

CeGaT Center for Human Genetics Tuebingen
Classification: Uncertain significance. Last evaluated: 2026-10-01. Review status: criteria provided, single submitter. Criteria: CeGaT Center For Human Genetics Tuebingen Variant Classification Criteria Version 2. Collection method: clinical testing. Allele origin: germline. Affected: yes. Observed: 1 variant allele.
Comment: DEPDC5: PM2

Ambry Genetics
Classification: Uncertain significance for Inborn genetic diseases. Last evaluated: 2026-03-11. Review status: criteria provided, single submitter. Criteria: Ambry Variant Classification Scheme 2023. Collection method: clinical testing. Allele origin: germline.
Comment: The c.1404G>T (p.R468S) alteration is located in exon 20 (coding exon 19) of the DEPDC5 gene. This alteration results from a G to T substitution at nucleotide position 1404, causing the arginine (R) at amino acid position 468 to be replaced by a serine (S). Based on data from gnomAD, the T allele has an overall frequency of 0.002% (4/249504) total alleles studied. The highest observed frequency was 0.013% (4/30602) of South Asian alleles. Based on insufficient or conflicting evidence, the clinical significance of this alteration remains unclear.

Labcorp Genetics (formerly Invitae), Labcorp
Classification: Uncertain significance for Familial focal epilepsy with variable foci. Last evaluated: 2024-05-15. Review status: criteria provided, single submitter. Criteria: Invitae Variant Classification Sherloc (09022015). Collection method: clinical testing. Allele origin: germline.
Comment: This sequence change replaces arginine, which is basic and polar, with serine, which is neutral and polar, at codon 468 of the DEPDC5 protein (p.Arg468Ser). This variant is present in population databases (rs544863765, gnomAD 0.01%). This variant has not been reported in the literature in individuals affected with DEPDC5-related conditions. ClinVar contains an entry for this variant (Variation ID: 1016498). Experimental studies and prediction algorithms are not available or were not evaluated, and the functional significance of this variant is currently unknown. In summary, the available evidence is currently insufficient to determine the role of this variant in disease. Therefore, it has been classified as a Variant of Uncertain Significance.